The following is an entry in ClinVar:

NM_139278.4(LGI3):c.1401G>A (p.Ser467=)

Gene: LGI3 (leucine rich repeat LGI family member 3; minus strand). Cytogenetic location: 8p21.3.
Variant type: single nucleotide variant.
Coding change: c.1401G>A on transcript NM_139278.4 (MANE Select); coding-DNA position 1401, G replaced by A.
Protein change: p.Ser467=; no amino-acid change (serine 467 retained).
Molecular consequence: synonymous variant.
Genome position (GRCh38, 1-based): chr8:22,148,406, C>T on the plus strand (G>A on the coding strand, the complement: LGI3 is on the minus strand). VCF-style: chr8-22148406-C-T. GRCh37 (hg19) VCF-style: chr8-22005919-C-T.
Identifiers: ClinVar variation 5041220 (VCV005041220.1).

ClinVar aggregate classification (germline): Likely benign (1 of 4 stars; one submission).

gnomAD v4.1: 33 of 1,612,452 alleles (0.002%); highest among the groups gnomAD compares: South Asian, 0.0033%; no homozygotes.

Submission:

CeGaT Center for Human Genetics Tuebingen
Classification: Likely benign. Last evaluated: 2026-09-01. Review status: criteria provided, single submitter. Criteria: CeGaT Center For Human Genetics Tuebingen Variant Classification Criteria Version 2. Collection method: clinical testing. Allele origin: germline. Affected: yes. Observed: 1 variant allele.
Comment: LGI3: BP4, BP7